The following is an entry in ClinVar:

ClinVar aggregate classification (germline): Conflicting classifications of pathogenicity. Review status: criteria provided, conflicting classifications (1 of 4 stars). 3 submissions from 3 submitters: Likely pathogenic (2); Uncertain significance (1). Last evaluated 2025-12-11.

Conditions:
Netherton syndrome (NETH). Also called: ERYTHRODERMA, ICHTHYOSIFORM, WITH HYPOTRICHOSIS AND HYPER-IgE; COMEL-NETHERTON SYNDROME; NETHERTON DISEASE. Identifiers: Orphanet 634, MedGen C5574950, MONDO:0009735, OMIM 256500.
Ichthyosis linearis circumflexa. Identifiers: MedGen C0265962, MONDO:0043106, HP:0025810.

Allele frequency attached by ClinVar (database versions not stated): gnomAD 0.00005 and 0.00006; TOPMed 0.00011; gnomAD exomes 0.00022; ExAC 0.00023; 1000 Genomes Project 30x 0.00031; 1000 Genomes Project 0.00040.
gnomAD v4.1: 84 of 1,613,662 alleles (0.0052%); highest among the groups gnomAD compares: Admixed American, 0.092%; no homozygotes.

Submissions (3):

Mayo Clinic Laboratories, Mayo Clinic
Classification: Likely pathogenic. Last evaluated: 2025-12-11. Review status: criteria provided, single submitter. Criteria: ACMG Guidelines, 2015. Collection method: clinical testing. Allele origin: germline. Observed: 1 variant allele.
Comment: PM3, PVS1

Labcorp Genetics (formerly Invitae), Labcorp
Classification: Uncertain significance for Ichthyosis linearis circumflexa. Last evaluated: 2024-10-18. Review status: criteria provided, single submitter. Criteria: Invitae Variant Classification Sherloc (09022015). Collection method: clinical testing. Allele origin: germline.
Comment: This sequence change falls in intron 27 of the SPINK5 gene. It does not directly change the encoded amino acid sequence of the SPINK5 protein. It affects a nucleotide within the consensus splice site. This variant is present in population databases (rs185897034, gnomAD 0.1%). This variant has been observed in individual(s) with Netherton syndrome (PMID: 36165187). In at least one individual the data is consistent with being in trans (on the opposite chromosome) from a pathogenic variant. ClinVar contains an entry for this variant (Variation ID: 840274). Variants that disrupt the consensus splice site are a relatively common cause of aberrant splicing (PMID: 17576681, 9536098). Algorithms developed to predict the effect of sequence changes on RNA splicing suggest that this variant may disrupt the consensus splice site. In summary, the available evidence is currently insufficient to determine the role of this variant in disease. Therefore, it has been classified as a Variant of Uncertain Significance.

Fulgent Genetics
Classification: Likely pathogenic for Netherton syndrome. Last evaluated: 2024-04-06. Review status: criteria provided, single submitter. Criteria: ACMG Guidelines, 2015. Collection method: clinical testing. Allele origin: germline.

Literature cited by the submitters: PubMed 11841556 (cited by Mayo Clinic Laboratories, Mayo Clinic); PubMed 19438860 (cited by Mayo Clinic Laboratories, Mayo Clinic); PubMed 36165187 (cited by Mayo Clinic Laboratories, Mayo Clinic and Labcorp Genetics (formerly Invitae), Labcorp); PubMed 37239440 (cited by Mayo Clinic Laboratories, Mayo Clinic); PubMed 17576681 (cited by Labcorp Genetics (formerly Invitae), Labcorp); PubMed 9536098 (cited by Labcorp Genetics (formerly Invitae), Labcorp).

NM_006846.4(SPINK5):c.2666+5G>A

Gene: SPINK5 (serine peptidase inhibitor Kazal type 5; plus strand). Cytogenetic location: 5q32.
Variant type: single nucleotide variant.
Coding change: c.2666+5G>A on transcript NM_006846.4 (MANE Select); 5 bases into the intron after coding-DNA position 2666, G replaced by A.
Molecular consequence: intron variant.
Genome position (GRCh38, 1-based): chr5:148,123,965, G>A. VCF-style: chr5-148123965-G-A. GRCh37 (hg19) VCF-style: chr5-147503528-G-A.
Other names: c.2666+5G>A (NM_001127698.2, NM_001127699.2).
Identifiers: ClinVar variation 840274 (VCV000840274.7), dbSNP rs185897034, ClinGen allele CA3496053.